The following is an entry in ClinVar:

NM_005732.4(RAD50):c.959G>C (p.Arg320Thr)

Gene: RAD50 (RAD50 double strand break repair protein; plus strand). Cytogenetic location: 5q31.1.
Variant type: single nucleotide variant.
Coding change: c.959G>C on transcript NM_005732.4 (MANE Select); coding-DNA position 959, G replaced by C.
Protein change: p.Arg320Thr; replaces arginine 320 with threonine.
Molecular consequence: missense variant.
Genome position (GRCh38, 1-based): chr5:132,587,997, G>C. VCF-style: chr5-132587997-G-C. GRCh37 (hg19) VCF-style: chr5-131923689-G-C.
Other names: short protein forms R320T.
Identifiers: ClinVar variation 2451410 (VCV002451410.2), dbSNP rs876659962, ClinGen allele CA360941113.

ClinVar aggregate classification (germline): Uncertain significance (1 of 4 stars; one submission).

Conditions:
Hereditary cancer-predisposing syndrome. Also called: Neoplastic Syndromes, Hereditary; Tumor predisposition; Hereditary neoplastic syndrome; Hereditary Cancer Syndrome. Identifiers: Orphanet 140162, MedGen C0027672, MeSH D009386, MONDO:0015356.

Allele frequency attached by ClinVar (database versions not stated): gnomAD exomes below 0.00001.
gnomAD v4.1: 2 of 1,611,830 alleles (0.00012%); highest among the groups gnomAD compares: Non-Finnish European, 0.00017%; no homozygotes.

Submission:

Ambry Genetics
Classification: Uncertain significance for Hereditary cancer-predisposing syndrome. Last evaluated: 2022-12-01. Review status: criteria provided, single submitter. Criteria: Ambry Variant Classification Scheme 2023. Collection method: clinical testing. Allele origin: germline.
Comment: The p.R320T variant (also known as c.959G>C), located in coding exon 7 of the RAD50 gene, results from a G to C substitution at nucleotide position 959. The arginine at codon 320 is replaced by threonine, an amino acid with similar properties. This amino acid position is conserved. In addition, this alteration is predicted to be tolerated by in silico analysis. Since supporting evidence is limited at this time, the clinical significance of this alteration remains unclear.